The following is an entry in ClinVar:

NM_001384910.1(GUCA1A):c.428delinsACAC (p.Ile143delinsAsnThr)

Genes: GUCA1A (guanylate cyclase activator 1A; plus strand), GUCA1ANB-GUCA1A (GUCA1ANB-GUCA1A readthrough; plus strand). Cytogenetic location: 6p21.1.
Variant type: Indel.
Coding change: c.428delinsACAC on transcript NM_001384910.1 (MANE Select); coding-DNA position 428, T replaced by ACAC.
Protein change: p.Ile143delinsAsnThr.
Molecular consequence: inframe indel.
Genome position (GRCh38, 1-based): chr6:42,178,878, T replaced by ACAC. VCF-style: chr6-42178878-T-ACAC. GRCh37 (hg19) VCF-style: chr6-42146616-T-ACAC.
Other names: c.428delinsACAC, p.Ile143delinsAsnThr (NM_000409.5, NM_001319061.2, NM_001319062.2).
Identifiers: ClinVar variation 449489 (VCV000449489.9), dbSNP rs1554186463, ClinGen allele CA658657592.

ClinVar aggregate classification (germline): Pathogenic. Review status: criteria provided, multiple submitters, no conflicts (2 of 4 stars). 3 submissions from 3 submitters: Pathogenic (3). Last evaluated 2025-09-02.

Conditions:
GUCA1A-related disorders.

Submissions (3):

Labcorp Genetics (formerly Invitae), Labcorp
Classification: Pathogenic. Last evaluated: 2025-09-02. Review status: criteria provided, single submitter. Criteria: Invitae Variant Classification Sherloc (09022015). Collection method: clinical testing. Allele origin: germline.
Comment: This variant, c.428delinsACAC, is a complex sequence change that results in the deletion of 1 and insertion of 2 amino acid(s) in the GUCA1A protein (p.Ile143delinsAsnThr). Information on the frequency of this variant in the gnomAD database is not available, as this variant may be reported differently in the database. This variant has been observed in individuals with cone-rod dystrophy and cone degeneration (PMID: 15505030, 29074494). It has also been observed to segregate with disease in related individuals. This variant is also known as c.428delTinsACAC. Algorithms developed to predict the effect of variants on gene product structure and function are not available or were not evaluated for this variant. Experimental studies have shown that this variant affects GUCA1A function (PMID: 15505030). For these reasons, this variant has been classified as Pathogenic.

GeneDx
Classification: Pathogenic. Last evaluated: 2023-03-03. Review status: criteria provided, single submitter. Criteria: GeneDx Variant Classification Process June 2021. Collection method: clinical testing. Allele origin: germline. Affected: yes.
Comment: Not observed in large population cohorts (gnomAD); In-frame deletion of 1 amino acid and insertion of 2 amino acids in a non-repeat region; In silico analysis, which includes protein predictors and evolutionary conservation, supports a deleterious effect; This variant is associated with the following publications: (PMID: 15505030, 29074494, 36672815)

Blueprint Genetics
Classification: Pathogenic for GUCA1A-related disorders. Last evaluated: 2021-06-25. Review status: criteria provided, single submitter. Criteria: ACMG Guidelines, 2015. Collection method: clinical testing. Allele origin: germline. Affected: yes. Observed: 5 variant alleles.

Literature cited by the submitters: PubMed 15505030 (cited by Labcorp Genetics (formerly Invitae), Labcorp); PubMed 29074494 (cited by Labcorp Genetics (formerly Invitae), Labcorp).